The following is an entry in ClinVar:

ClinVar aggregate classification (germline): Pathogenic/Likely pathogenic. Review status: criteria provided, multiple submitters, no conflicts (2 of 4 stars). 4 submissions from 4 submitters: Pathogenic (2); Likely pathogenic (1). 1 of the submissions does not count toward it. Last evaluated 2023-06-18.

Conditions:
ARSA-related disorder. Also called: ARSA-related condition.
Metachromatic leukodystrophy (MLD). Also called: METACHROMATIC LEUKOENCEPHALOPATHY; Arylsulfatase A Deficiency; Cerebral sclerosis diffuse metachromatic form; CEREBROSIDE SULFATASE DEFICIENCY; ARSA DEFICIENCY; SULFATIDE LIPIDOSIS. Identifiers: Orphanet 512, MedGen C0023522, MONDO:0018868, OMIM 250100.

Allele frequency attached by ClinVar (database versions not stated): gnomAD exomes below 0.00001 and 0.00001; ExAC 0.00001.
gnomAD v4.1: 1 of 1,612,458 alleles (0.000062%); highest among the groups gnomAD compares: East Asian, 0.0022%; no homozygotes.

Submissions (4):

Labcorp Genetics (formerly Invitae), Labcorp
Classification: Pathogenic for Metachromatic leukodystrophy. Last evaluated: 2023-06-18. Review status: criteria provided, single submitter. Criteria: Invitae Variant Classification Sherloc (09022015). Collection method: clinical testing. Allele origin: germline.
Comment: This premature translational stop signal has been observed in individual(s) with late infantile metachromatic leukodystrophy (PMID: 26553228). For these reasons, this variant has been classified as Pathogenic. ClinVar contains an entry for this variant (Variation ID: 371662). This variant is present in population databases (rs762284875, gnomAD 0.01%). This sequence change creates a premature translational stop signal (p.Gln176*) in the ARSA gene. It is expected to result in an absent or disrupted protein product. Loss-of-function variants in ARSA are known to be pathogenic (PMID: 8962139, 10477432).

Blueprint Genetics
Classification: Likely pathogenic for ARSA-related disorders. Last evaluated: 2019-10-11. Review status: criteria provided, single submitter. Criteria: ACMG Guidelines, 2015. Collection method: clinical testing. Allele origin: germline. Affected: yes. Observed: 2 variant alleles.

Molecular Genetics Laboratory, Faculty of Medicine Siriraj Hospital, Mahidol University
Classification: Pathogenic for Metachromatic leukodystrophy. Last evaluated: 2019-08-02. Review status: criteria provided, single submitter. Criteria: ACMG Guidelines, 2015. Collection method: clinical testing. Allele origin: germline. Inheritance: Autosomal recessive inheritance. Affected: yes. Observed: 1 compound heterozygote.
Comment: In summary, the Gln176Ter variant meets our criteria to be classified as pathogenic (Richards et al., 2015) based upon a known mechanism of disease, extremely low frequency and the previous reported evidence.

Counsyl
Classification: Likely pathogenic for Metachromatic leukodystrophy. Last evaluated: 2016-11-09. Review status: no assertion criteria provided. Collection method: clinical testing. Allele origin: unknown. Not counted in ClinVar's aggregate classification.

Literature cited by the submitters: PubMed 26553228 (cited by Labcorp Genetics (formerly Invitae), Labcorp and Counsyl); PubMed 8962139 (cited by Labcorp Genetics (formerly Invitae), Labcorp); PubMed 10477432 (cited by Labcorp Genetics (formerly Invitae), Labcorp).

NM_000487.6(ARSA):c.526C>T (p.Gln176Ter)

Gene: ARSA (arylsulfatase A; minus strand). Cytogenetic location: 22q13.33.
Variant type: single nucleotide variant.
Coding change: c.526C>T on transcript NM_000487.6 (MANE Select); coding-DNA position 526, C replaced by T.
Protein change: p.Gln176Ter; replaces glutamine 176 with a stop codon.
Molecular consequence: nonsense.
Genome position (GRCh38, 1-based): chr22:50,626,992, G>A on the plus strand (C>T on the coding strand, the complement: ARSA is on the minus strand). VCF-style: chr22-50626992-G-A. GRCh37 (hg19) VCF-style: chr22-51065420-G-A.
Other names: c.526C>T, p.Gln176Ter (NM_001085425.3, NM_001085426.3, NM_001085427.3); c.268C>T, p.Gln90Ter (NM_001085428.3, NM_001362782.2); short protein forms Q176*, Q90*.
Identifiers: ClinVar variation 371662 (VCV000371662.11), dbSNP rs762284875, ClinGen allele CA10324986.